The following is an entry in ClinVar:

ClinVar aggregate classification (germline): Uncertain significance (1 of 4 stars; one submission).

Submission:

Labcorp Genetics (formerly Invitae), Labcorp
Classification: Uncertain significance. Last evaluated: 2025-07-23. Review status: criteria provided, single submitter. Criteria: Invitae Variant Classification Sherloc (09022015). Collection method: clinical testing. Allele origin: germline.
Comment: This sequence change replaces valine, which is neutral and non-polar, with isoleucine, which is neutral and non-polar, at codon 521 of the TRIM8 protein (p.Val521Ile). This variant is not present in population databases (gnomAD no frequency). This variant has not been reported in the literature in individuals affected with TRIM8-related conditions. An algorithm developed to predict the effect of missense changes on protein structure and function (PolyPhen-2) suggests that this variant is likely to be tolerated. In summary, the available evidence is currently insufficient to determine the role of this variant in disease. Therefore, it has been classified as a Variant of Uncertain Significance.

NM_030912.3(TRIM8):c.1561G>A (p.Val521Ile)

Gene: TRIM8 (tripartite motif containing 8; plus strand). Cytogenetic location: 10q24.32.
Variant type: single nucleotide variant.
Coding change: c.1561G>A on transcript NM_030912.3 (MANE Select); coding-DNA position 1561, G replaced by A.
Protein change: p.Val521Ile; replaces valine 521 with isoleucine.
Molecular consequence: missense variant. On other transcripts: non-coding transcript variant (1).
Genome position (GRCh38, 1-based): chr10:102,657,259, G>A. VCF-style: chr10-102657259-G-A. GRCh37 (hg19) VCF-style: chr10-104417016-G-A.
Other names: c.1465G>A, p.Val489Ile (NM_001345950.1); short protein forms V521I, V489I.
Identifiers: ClinVar variation 4711851 (VCV004711851.1).
Genomic context (GRCh38, chr10:102,657,259, plus strand): 5'-GAGTACTCACACCCGCTCCCGCCCACACCCTCCGTCCCCCAGTCCCTTCCCAGCCTGGCG[G>A]TCAGAGACTGGCTTGACGCCTCCCAGCAGCCCGGCCACCAGGATTTCTACAGGGTGTATG-3'
Protein context (NP_112174.2, residues 511-531): SVPQSLPSLA[Val521Ile]RDWLDASQQP